The following is an entry in ClinVar:

NM_002495.4(NDUFS4):c.317G>A (p.Arg106Gln)

Gene: NDUFS4 (NADH:ubiquinone oxidoreductase subunit S4; plus strand). Cytogenetic location: 5q11.2.
Variant type: single nucleotide variant.
Coding change: c.317G>A on transcript NM_002495.4 (MANE Select); coding-DNA position 317, G replaced by A.
Protein change: p.Arg106Gln; replaces arginine 106 with glutamine.
Molecular consequence: missense variant. On other transcripts: non-coding transcript variant (3).
Genome position (GRCh38, 1-based): chr5:53,646,372, G>A. VCF-style: chr5-53646372-G-A. GRCh37 (hg19) VCF-style: chr5-52942202-G-A.
Other names: c.317G>A, p.Arg106Gln (NM_001318051.2); short protein forms R106Q.
Identifiers: ClinVar variation 4698173 (VCV004698173.1).

ClinVar aggregate classification (germline): Uncertain significance (1 of 4 stars; one submission).

Submission:

Labcorp Genetics (formerly Invitae), Labcorp
Classification: Uncertain significance. Last evaluated: 2026-02-01. Review status: criteria provided, single submitter. Criteria: Invitae Variant Classification Sherloc (09022015). Collection method: clinical testing. Allele origin: germline.
Comment: This sequence change replaces arginine, which is basic and polar, with glutamine, which is neutral and polar, at codon 106 of the NDUFS4 protein (p.Arg106Gln). This variant is present in population databases (rs746151512, gnomAD 0.01%). This variant has not been reported in the literature in individuals affected with NDUFS4-related conditions. An algorithm developed to predict the effect of missense changes on protein structure and function (PolyPhen-2) suggests that this variant is likely to be disruptive. In summary, the available evidence is currently insufficient to determine the role of this variant in disease. Therefore, it has been classified as a Variant of Uncertain Significance.